The following is an entry in ClinVar:

ClinVar aggregate classification (germline): Pathogenic (1 of 4 stars; one submission).

Conditions:
Hermansky-Pudlak syndrome 3 (HPS3). Identifiers: Orphanet 231512, Orphanet 79430, MedGen C3888001, MONDO:0013555, OMIM 614072.

Submission:

Myriad Genetics, Inc.
Classification: Pathogenic for Hermansky-Pudlak syndrome 3. Last evaluated: 2024-05-14. Review status: criteria provided, single submitter. Criteria: Myriad Autosomal Dominant, Autosomal Recessive and X-Linked Classification Criteria (2023). Collection method: clinical testing. Allele origin: unknown.
Comment: NM_032383.3(HPS3):c.563_565del3ins14(P188Rfs*21) is expected to be pathogenic in the context of Hermansky-Pudlak syndrome, HPS3-related. This variant is predicted to lead to an abnormal or absent protein product due to the creation of a premature termination codon in HPS3, a gene where loss-of-function variants are known to be pathogenic. Please note: this variant was assessed in the context of healthy population screening.

NM_032383.5(HPS3):c.563_565delinsGATTTGCCTGGCTT (p.Pro188fs)

Gene: HPS3 (HPS3 biogenesis of lysosomal organelles complex 2 subunit 1; plus strand). Cytogenetic location: 3q24.
Variant type: Indel.
Coding change: c.563_565delinsGATTTGCCTGGCTT on transcript NM_032383.5 (MANE Select); coding-DNA positions 563 to 565, CTG replaced by GATTTGCCTGGCTT.
Protein change: p.Pro188fs; shifts the reading frame from proline 188.
Molecular consequence: frameshift variant. On other transcripts: intron variant (1).
Genome position (GRCh38, 1-based): chr3:149,140,349-149,140,351, CTG replaced by GATTTGCCTGGCTT. VCF-style: chr3-149140349-CTG-GATTTGCCTGGCTT. GRCh37 (hg19) VCF-style: chr3-148858136-CTG-GATTTGCCTGGCTT.
Other names: c.218-668_218-666delinsGATTTGCCTGGCTT (NM_001308258.2); short protein forms P188fs.
Identifiers: ClinVar variation 5010815 (VCV005010815.1).
Genomic context (GRCh38, chr3:149,140,349, plus strand): 5'-AGGAATTCTCACTATTGGACTTTGAACGTTCTTTAATTATACACATAGATAATATCACTC[CTG>GATTTGCCTGGCTT]TTGAGGTTTCTTTTTGTGTTGGATATGTTGCTGTCATGTCAGACTTAGAAGTCTTAATCG-3'